The following is an entry in ClinVar:

ClinVar aggregate classification (germline): Uncertain significance (1 of 4 stars; one submission).

Conditions:
Epilepsy, progressive myoclonic, 1B. Also called: PME. Identifiers: Orphanet 308, MedGen C2676254, MONDO:0012904, OMIM 612437.

Allele frequency attached by ClinVar (database versions not stated): TOPMed below 0.00001; gnomAD 0.00001; gnomAD exomes 0.00001.
gnomAD v4.1: 6 of 1,614,080 alleles (0.00037%); highest among the groups gnomAD compares: Non-Finnish European, 0.00051%; no homozygotes.

Submission:

Labcorp Genetics (formerly Invitae), Labcorp
Classification: Uncertain significance for Epilepsy, progressive myoclonic, 1B. Last evaluated: 2022-07-24. Review status: criteria provided, single submitter. Criteria: Invitae Variant Classification Sherloc (09022015). Collection method: clinical testing. Allele origin: germline.
Comment: This sequence change replaces asparagine, which is neutral and polar, with serine, which is neutral and polar, at codon 685 of the PRICKLE1 protein (p.Asn685Ser). In summary, the available evidence is currently insufficient to determine the role of this variant in disease. Therefore, it has been classified as a Variant of Uncertain Significance. Algorithms developed to predict the effect of missense changes on protein structure and function (SIFT, PolyPhen-2, Align-GVGD) all suggest that this variant is likely to be tolerated. This variant has not been reported in the literature in individuals affected with PRICKLE1-related conditions. This variant is present in population databases (no rsID available, gnomAD 0.007%).

NM_153026.3(PRICKLE1):c.2054A>G (p.Asn685Ser)

Gene: PRICKLE1 (prickle planar cell polarity protein 1; minus strand). Cytogenetic location: 12q12.
Variant type: single nucleotide variant.
Coding change: c.2054A>G on transcript NM_153026.3 (MANE Select); coding-DNA position 2054, A replaced by G.
Protein change: p.Asn685Ser; replaces asparagine 685 with serine.
Molecular consequence: missense variant.
Genome position (GRCh38, 1-based): chr12:42,460,251, T>C on the plus strand (A>G on the coding strand, the complement: PRICKLE1 is on the minus strand). VCF-style: chr12-42460251-T-C. GRCh37 (hg19) VCF-style: chr12-42854053-T-C.
Other names: c.2054A>G, p.Asn685Ser (NM_001144881.2, NM_001144882.2, NM_001144883.2); short protein forms N685S.
Identifiers: ClinVar variation 2165340 (VCV002165340.4), dbSNP rs1214661052, ClinGen allele CA384440303.